The following is an entry in ClinVar:

ClinVar aggregate classification (germline): Likely benign (0 of 4 stars; one submission).

Conditions:
UCHL1-related disorder. Also called: UCHL1-related condition.

Allele frequency attached by ClinVar (database versions not stated): TOPMed 0.00002.
gnomAD v4.1: 6 of 1,614,174 alleles (0.00037%); highest among the groups gnomAD compares: East Asian, 0.0045%; no homozygotes.

Submission:

PreventionGenetics, part of Exact Sciences
Classification: Likely benign for UCHL1-related condition. Last evaluated: 2020-10-16. Review status: no assertion criteria provided. Collection method: clinical testing. Allele origin: germline.
Comment: This variant is classified as likely benign based on ACMG/AMP sequence variant interpretation guidelines (Richards et al. 2015 PMID: 25741868, with internal and published modifications).

NM_004181.5(UCHL1):c.585+4A>T

Gene: UCHL1 (ubiquitin C-terminal hydrolase L1; plus strand). Cytogenetic location: 4p13.
Variant type: single nucleotide variant.
Coding change: c.585+4A>T on transcript NM_004181.5 (MANE Select); 4 bases into the intron after coding-DNA position 585, A replaced by T.
Molecular consequence: intron variant.
Genome position (GRCh38, 1-based): chr4:41,264,165, A>T. VCF-style: chr4-41264165-A-T. GRCh37 (hg19) VCF-style: chr4-41266182-A-T.
Identifiers: ClinVar variation 3032576 (VCV003032576.2), dbSNP rs1781118595, ClinGen allele CA356733379.